The following is an entry in ClinVar:

NM_004336.5(BUB1):c.2512A>G (p.Met838Val)

Gene: BUB1 (BUB1 mitotic checkpoint serine/threonine kinase; minus strand). Cytogenetic location: 2q13.
Variant type: single nucleotide variant.
Coding change: c.2512A>G on transcript NM_004336.5 (MANE Select); coding-DNA position 2512, A replaced by G.
Protein change: p.Met838Val; replaces methionine 838 with valine.
Molecular consequence: missense variant.
Genome position (GRCh38, 1-based): chr2:110,641,755, T>C on the plus strand (A>G on the coding strand, the complement: BUB1 is on the minus strand). VCF-style: chr2-110641755-T-C. GRCh37 (hg19) VCF-style: chr2-111399332-T-C.
Other names: c.2452A>G, p.Met818Val (NM_001278616.2); c.2512A>G, p.Met838Val (NM_001278617.2); short protein forms M838V, M818V.
Identifiers: ClinVar variation 1792413 (VCV001792413.2), dbSNP rs2467972288, ClinGen allele CA348090499.

ClinVar aggregate classification (germline): Uncertain significance (1 of 4 stars; one submission).

Submission:

Ambry Genetics
Classification: Uncertain significance. Last evaluated: 2021-08-17. Review status: criteria provided, single submitter. Criteria: Ambry Variant Classification Scheme 2023. Collection method: clinical testing. Allele origin: germline.
Comment: The p.M838V variant (also known as c.2512A>G), located in coding exon 21 of the BUB1 gene, results from an A to G substitution at nucleotide position 2512. The methionine at codon 838 is replaced by valine, an amino acid with highly similar properties. This amino acid position is conserved. In addition, this alteration is predicted to be tolerated by in silico analysis. Since supporting evidence is limited at this time, the clinical significance of this alteration remains unclear.